The following is an entry in ClinVar:

NM_005045.4(RELN):c.3842A>T (p.Lys1281Ile)

Gene: RELN (reelin; minus strand). Cytogenetic location: 7q22.1.
Variant type: single nucleotide variant.
Coding change: c.3842A>T on transcript NM_005045.4 (MANE Select); coding-DNA position 3842, A replaced by T.
Protein change: p.Lys1281Ile; replaces lysine 1281 with isoleucine.
Molecular consequence: missense variant.
Genome position (GRCh38, 1-based): chr7:103,593,752, T>A on the plus strand (A>T on the coding strand, the complement: RELN is on the minus strand). VCF-style: chr7-103593752-T-A. GRCh37 (hg19) VCF-style: chr7-103234199-T-A.
Other names: c.3842A>T, p.Lys1281Ile (NM_173054.3); short protein forms K1281I.
Identifiers: ClinVar variation 2671647 (VCV002671647.1), dbSNP rs2484792427, ClinGen allele CA368757170.

ClinVar aggregate classification (germline): Uncertain significance (1 of 4 stars; one submission).

Conditions:
Familial temporal lobe epilepsy 7. Identifiers: Orphanet 101046, MedGen C4225327, MONDO:0014639, OMIM 616436.

Submission:

Neuberg Centre For Genomic Medicine, NCGM
Classification: Uncertain significance for Familial temporal lobe epilepsy 7. Last evaluated: 2023-02-14. Review status: criteria provided, single submitter. Criteria: ACMG Guidelines, 2015. Collection method: clinical testing. Allele origin: germline. Inheritance: Autosomal dominant inheritance. Affected: yes.
Comment: The missense c.3842A>T (p.Lys1281Ile) variant in RELN gene has not been reported previously as a pathogenic variant nor as a benign variant, to our knowledge. The p.Lys1281Ile variant is novel (not in any individuals) in gnomAD Exomes and 1000 Genomes. This variant has not been reported to the ClinVar database. The amino acid change p.Lys1281Ile in RELN is predicted as conserved by GERP++ and PhyloP across 100 vertebrates. The amino acid Lys at position 1281 is changed to a Ile changing protein sequence and it might alter its composition and physico-chemical properties. For these reasons, this variant has been classified as a Variant of Uncertain Significance (VUS).